The following is an entry in ClinVar:

NC_000005.9:g.(?_137216485)_(137221922_?)del

Gene: MYOT (myotilin; plus strand). Cytogenetic location: 5q31.2.
Variant type: Deletion.
Identifiers: ClinVar variation 1433344 (VCV001433344.7).

ClinVar aggregate classification (germline): Uncertain significance (1 of 4 stars; one submission).

Conditions:
Myofibrillar myopathy 3 (MFM3). Also called: Muscular dystrophy, proximal, type 1A; Autosomal dominant spheroid body myopathy. Identifiers: Orphanet 266, Orphanet 268129, MedGen C3714934, MONDO:0012215, OMIM 609200.

Submission:

Labcorp Genetics (formerly Invitae), Labcorp
Classification: Uncertain significance for Myofibrillar myopathy 3. Last evaluated: 2021-09-22. Review status: criteria provided, single submitter. Criteria: Invitae Variant Classification Sherloc (09022015). Collection method: clinical testing. Allele origin: germline.
Comment: In summary, the available evidence is currently insufficient to determine the role of this variant in disease. Therefore, it has been classified as a Variant of Uncertain Significance. This variant has not been reported in the literature in individuals affected with MYOT-related conditions. This variant is a gross deletion of the genomic region encompassing exon(s) 5-8 of the MYOT gene. This deletion is out-of-frame, and is expected to create a premature translational stop signal and result in an absent or disrupted protein product. However, the current clinical and genetic evidence is not sufficient to establish whether loss-of-function variants in MYOT cause disease.